The following is an entry in ClinVar:

NM_032043.3(BRIP1):c.2185G>A (p.Gly729Arg)

Gene: BRIP1 (BRCA1 interacting DNA helicase 1; minus strand). Cytogenetic location: 17q23.2.
Variant type: single nucleotide variant.
Coding change: c.2185G>A on transcript NM_032043.3 (MANE Select); coding-DNA position 2185, G replaced by A.
Protein change: p.Gly729Arg; replaces glycine 729 with arginine.
Molecular consequence: missense variant.
Genome position (GRCh38, 1-based): chr17:61,744,504, C>T on the plus strand (G>A on the coding strand, the complement: BRIP1 is on the minus strand). VCF-style: chr17-61744504-C-T. GRCh37 (hg19) VCF-style: chr17-59821865-C-T.
Other names: short protein forms G729R.
Identifiers: ClinVar variation 461098 (VCV000461098.15), dbSNP rs1555591407, ClinGen allele CA400483064.
Genomic context (GRCh38, chr17:61,744,504, plus strand): 5'-TGTATTTGATTGCGTCATAGTACACCTGCAGTAATTCATCAAAATTTGTTTTTTCTCCTC[C>T]CTGTGGTTCTACAATGACTGTCTTCACCAACTCCAGATTATGCCATAAACCAGTAGAGAG-3'
Protein context (NP_114432.2, residues 719-739): LVKTVIVEPQ[Gly729Arg]GEKTNFDELL

ClinVar aggregate classification (germline): Uncertain significance. Review status: criteria provided, multiple submitters, no conflicts (2 of 4 stars). 2 submissions from 2 submitters: Uncertain significance (2). Last evaluated 2026-01-26.

Conditions:
Hereditary cancer-predisposing syndrome. Also called: Hereditary neoplastic syndrome; Neoplastic Syndromes, Hereditary; Tumor predisposition; Hereditary Cancer Syndrome. Identifiers: Orphanet 140162, MedGen C0027672, MeSH D009386, MONDO:0015356.
Fanconi anemia complementation group J. Also called: BRIP1-Related Fanconi Anemia. Identifiers: Orphanet 84, MedGen C1836860, MONDO:0012187, OMIM 609054.
Familial cancer of breast. Also called: BREAST CANCER, FAMILIAL; hereditary breast carcinoma; Hereditary breast cancer. Identifiers: Orphanet 227535, MedGen C0346153, MONDO:0016419, OMIM 114480. Disease mechanism: loss of function.

Allele frequency attached by ClinVar (database versions not stated): TOPMed below 0.00001; gnomAD exomes below 0.00001.
gnomAD v4.1: 1 of 1,613,744 alleles (0.000062%); highest among the groups gnomAD compares: South Asian, 0.0011%; no homozygotes.

Submissions (2):

Labcorp Genetics (formerly Invitae), Labcorp
Classification: Uncertain significance for Familial cancer of breast; Fanconi anemia complementation group J. Last evaluated: 2026-01-26. Review status: criteria provided, single submitter. Criteria: Invitae Variant Classification Sherloc (09022015). Collection method: clinical testing. Allele origin: germline.
Comment: This sequence change replaces glycine, which is neutral and non-polar, with arginine, which is basic and polar, at codon 729 of the BRIP1 protein (p.Gly729Arg). This variant is not present in population databases (gnomAD no frequency). This variant has not been reported in the literature in individuals affected with BRIP1-related conditions. ClinVar contains an entry for this variant (Variation ID: 461098). Invitae Evidence Modeling of protein sequence and biophysical properties (such as structural, functional, and spatial information, amino acid conservation, physicochemical variation, residue mobility, and thermodynamic stability) indicates that this missense variant is not expected to disrupt BRIP1 protein function with a negative predictive value of 95%. In summary, the available evidence is currently insufficient to determine the role of this variant in disease. Therefore, it has been classified as a Variant of Uncertain Significance.

Ambry Genetics
Classification: Uncertain significance for Hereditary cancer-predisposing syndrome. Last evaluated: 2025-07-21. Review status: criteria provided, single submitter. Criteria: Ambry Variant Classification Scheme 2023. Collection method: clinical testing. Allele origin: germline.
Comment: The p.G729R variant (also known as c.2185G>A), located in coding exon 14 of the BRIP1 gene, results from a G to A substitution at nucleotide position 2185. The glycine at codon 729 is replaced by arginine, an amino acid with dissimilar properties. This amino acid position is well conserved; however, arginine is a reference amino acid in several species. In addition, this alteration is predicted to be tolerated by in silico analysis. Since supporting evidence is limited at this time, the clinical significance of this alteration remains unclear.